The following is an entry in ClinVar:

ClinVar aggregate classification (germline): Pathogenic. Review status: criteria provided, multiple submitters, no conflicts (2 of 4 stars). 2 submissions from 2 submitters: Pathogenic (2). Last evaluated 2022-08-15.

Conditions:
Supravalvar aortic stenosis (SVAS). Also called: Supravalvar aortic stenosis, Eisenberg type. Identifiers: Orphanet 3193, MedGen C0003499, MONDO:0008504, OMIM 185500, HP:0004381.

Submissions (2):

Labcorp Genetics (formerly Invitae), Labcorp
Classification: Pathogenic for Supravalvar aortic stenosis. Last evaluated: 2022-08-15. Review status: criteria provided, single submitter. Criteria: Invitae Variant Classification Sherloc (09022015). Collection method: clinical testing. Allele origin: germline.
Comment: This sequence change creates a premature translational stop signal (p.Val282Trpfs*32) in the ELN gene. It is expected to result in an absent or disrupted protein product. Loss-of-function variants in ELN are known to be pathogenic (PMID: 11175284). This variant is not present in population databases (gnomAD no frequency). This premature translational stop signal has been observed in individual(s) with supravalvular aortic stenosis, peripheral pulmonary artery stenosis and aortic hypoplasia (PMID: 11175284). This variant is also known as 842^843 ins TIGG. ClinVar contains an entry for this variant (Variation ID: 840776). For these reasons, this variant has been classified as Pathogenic.

GeneDx
Classification: Pathogenic. Last evaluated: 2020-07-28. Review status: criteria provided, single submitter. Criteria: GeneDx Variant Classification Process June 2021. Collection method: clinical testing. Allele origin: germline. Affected: yes.
Comment: Not observed in large population cohorts (Lek et al., 2016); Frameshift variant predicted to result in protein truncation or nonsense mediated decay in a gene for which loss-of-function is a known mechanism of disease; This variant is associated with the following publications: (PMID: 11175284)

Literature cited by the submitters: PubMed 11175284 (cited by Labcorp Genetics (formerly Invitae), Labcorp).

NM_000501.4(ELN):c.840_843dup (p.Val282fs)

Gene: ELN (elastin; plus strand). Cytogenetic location: 7q11.23.
Variant type: Duplication.
Coding change: c.840_843dup on transcript NM_000501.4 (MANE Select); coding-DNA positions 840 to 843, 4 bases duplicated (TGGT; older notation c.840_843dupTGGT).
Protein change: p.Val282fs; shifts the reading frame from valine 282.
Molecular consequence: frameshift variant.
Genome position (GRCh38, 1-based): chr7:74,051,790-74,051,793, TGGT duplicated. VCF-style (leftmost placement, unchanged base first): chr7-74051789-C-CTGGT. GRCh37 (hg19) VCF-style: chr7-73466119-C-CTGGT.
Other names: c.810_813dup, p.Val272fs (NM_001081752.3, NM_001278917.2); c.855_858dup, p.Val287fs (NM_001081753.3, NM_001081754.3); c.840_843dup, p.Val282fs (NM_001081755.3, NM_001278912.2, NM_001278915.2 and 1 more transcripts); c.732_735dup, p.Val246fs (NM_001278913.2); c.825_828dup, p.Val277fs (NM_001278914.2); c.798_801dup, p.Val268fs (NM_001278916.2); c.708_711dup, p.Val238fs (NM_001278918.2); short protein forms V268fs, V282fs, V272fs, V277fs, V238fs, V246fs, V287fs.
Identifiers: ClinVar variation 840776 (VCV000840776.11), dbSNP rs1794096639, ClinGen allele CA916082933.